The following is an entry in ClinVar:

NM_003803.4(MYOM1):c.644_645insAGCATCCAAGCAGTCCACGGCATCCAGGCAGTCCACAGCATCCAAGCAGTCCACAGCATCCAAGCAGTCCACGGCATCCAAGCAGTCCACAGCATCCAAGCAGTCCACGGCATCCAGGCAGTCCAT (p.Ser217_Arg218insLysGlnSerThrAlaSerArgGlnSerThrAlaSerLysGlnSerThrAlaSerLysGlnSerThrAlaSerLysGlnSerThrAlaSerLysGlnSerThrAlaSerArgGlnSerMetAlaSer)

Gene: MYOM1 (myomesin 1; minus strand). Cytogenetic location: 18p11.31.
Variant type: Insertion.
Coding change: c.644_645insAGCATCCAAGCAGTCCACGGCATCCAGGCAGTCCACAGCATCCAAGCAGTCCACAGCATCCAAGCAGTCCACGGCATCCAAGCAGTCCACAGCATCCAAGCAGTCCACGGCATCCAGGCAGTCCAT on transcript NM_003803.4 (MANE Select); coding-DNA positions 644 to 645, AGCATCCAAGCAGTCCACGGCATCCAGGCAGTCCACAGCATCCAAGCAGTCCACAGCATCCAAGCAGTCCACGGCATCCAAGCAGTCCACAGCATCCAAGCAGTCCACGGCATCCAGGCAGTCCAT inserted.
Protein change: p.Ser217_Arg218insLysGlnSerThrAlaSerArgGlnSerThrAlaSerLysGlnSerThrAlaSerLysGlnSerThrAlaSerLysGlnSerThrAlaSerLysGlnSerThrAlaSerArgGlnSerMetAlaSer.
Molecular consequence: inframe insertion.
Genome position: GRCh38: chr18:3,188,874-3,188,875. GRCh37 (hg19): chr18:3,188,872-3,188,873.
Other names: c.644_645insAGCATCCAAGCAGTCCACGGCATCCAGGCAGTCCACAGCATCCAAGCAGTCCACAGCATCCAAGCAGTCCACGGCATCCAAGCAGTCCACAGCATCCAAGCAGTCCACGGCATCCAGGCAGTCCAT, p.Ser217_Arg218insLysGlnSerThrAlaSerArgGlnSerThrAlaSerLysGlnSerThrAlaSerLysGlnSerThrAlaSerLysGlnSerThrAlaSerLysGlnSerThrAlaSerArgGlnSerMetAlaSer (NM_019856.2).
Identifiers: ClinVar variation 2839397 (VCV002839397.3), dbSNP rs1567958440, ClinGen allele CA2739268542.

ClinVar aggregate classification (germline): Uncertain significance (1 of 4 stars; one submission).

Conditions:
Hypertrophic cardiomyopathy. Also called: HYPERTROPHIC MYOCARDIOPATHY. Identifiers: Orphanet 217569, MedGen C0007194, MeSH D002312, MONDO:0005045, HP:0001639.

Submission:

Labcorp Genetics (formerly Invitae), Labcorp
Classification: Uncertain significance for Hypertrophic cardiomyopathy. Last evaluated: 2024-11-18. Review status: criteria provided, single submitter. Criteria: Invitae Variant Classification Sherloc (09022015). Collection method: clinical testing. Allele origin: germline.
Comment: This variant, c.644_645ins126, results in the insertion of 42 amino acid(s) of the MYOM1 protein (p.Ser217_Arg218ins42), but otherwise preserves the integrity of the reading frame. This variant is not present in population databases (gnomAD no frequency). This variant has not been reported in the literature in individuals affected with MYOM1-related conditions. ClinVar contains an entry for this variant (Variation ID: 2839397). Experimental studies and prediction algorithms are not available or were not evaluated, and the functional significance of this variant is currently unknown. In summary, the available evidence is currently insufficient to determine the role of this variant in disease. Therefore, it has been classified as a Variant of Uncertain Significance.